The following is an entry in ClinVar:

ClinVar aggregate classification (germline): Uncertain significance (1 of 4 stars; one submission).

gnomAD v4.1: 3 of 1,613,158 alleles (0.00019%); highest among the groups gnomAD compares: Non-Finnish European, 0.00025%; no homozygotes.

Submission:

Labcorp Genetics (formerly Invitae), Labcorp
Classification: Uncertain significance. Last evaluated: 2025-03-24. Review status: criteria provided, single submitter. Criteria: Invitae Variant Classification Sherloc (09022015). Collection method: clinical testing. Allele origin: germline.
Comment: This sequence change affects a donor splice site in intron 8 of the MTMR14 gene. It is expected to disrupt RNA splicing. Variants that disrupt the donor or acceptor splice site typically lead to a loss of protein function (PMID: 16199547), however the current clinical and genetic evidence is not sufficient to establish whether loss-of-function variants in MTMR14 cause disease. This variant is not present in population databases (gnomAD no frequency). This variant has not been reported in the literature in individuals affected with MTMR14-related conditions. Algorithms developed to predict the effect of sequence changes on RNA splicing suggest that this variant may disrupt the consensus splice site. In summary, the available evidence is currently insufficient to determine the role of this variant in disease. Therefore, it has been classified as a Variant of Uncertain Significance.

Literature cited by the submitters: PubMed 16199547.

NM_001077525.3(MTMR14):c.822+2T>C

Gene: MTMR14 (myotubularin related protein 14; plus strand). Cytogenetic location: 3p25.3.
Variant type: single nucleotide variant.
Coding change: c.822+2T>C on transcript NM_001077525.3 (MANE Select); the canonical splice donor site of the intron after coding-DNA position 822, T replaced by C.
Molecular consequence: splice donor variant. On other transcripts: intron variant (4).
Genome position (GRCh38, 1-based): chr3:9,677,389, T>C. VCF-style: chr3-9677389-T-C. GRCh37 (hg19) VCF-style: chr3-9719073-T-C.
Other names: c.891+2T>C (NM_001400518.1, NM_001400521.1, NM_001400526.1); c.180+2T>C (NM_001400542.1, NM_001400534.1, NM_001400541.1 and 9 more transcripts); c.822+2T>C (NM_001077526.3, NM_022485.5, NM_001400520.1 and 2 more transcripts); c.36+4631T>C (NM_001400547.1, NM_001400548.1, NM_001400544.1 and 1 more transcripts); c.819+2T>C (NM_001400519.1, NM_001400522.1); c.576+2T>C (NM_001400524.1, NM_001400527.1, NM_001400530.1 and 1 more transcripts); c.573+2T>C (NM_001400531.1); c.540+2T>C (NM_001400525.1, NM_001400529.1, NM_001400532.1 and 1 more transcripts).
Identifiers: ClinVar variation 4739439 (VCV004739439.1).